The following is an entry in ClinVar:

NM_004963.4(GUCY2C):c.629A>G (p.Glu210Gly)

Genes: GUCY2C (guanylate cyclase 2C; minus strand), GUCY2C-AS1 (GUCY2C antisense RNA 1; plus strand). Cytogenetic location: 12p12.3.
Variant type: single nucleotide variant.
Coding change: c.629A>G on transcript NM_004963.4 (MANE Select); coding-DNA position 629, A replaced by G.
Protein change: p.Glu210Gly; replaces glutamic acid 210 with glycine.
Molecular consequence: missense variant.
Genome position (GRCh38, 1-based): chr12:14,681,460, T>C on the plus strand (A>G on the coding strand, the complement: GUCY2C is on the minus strand). VCF-style: chr12-14681460-T-C. GRCh37 (hg19) VCF-style: chr12-14834394-T-C.
Other names: short protein forms E210G.
Identifiers: ClinVar variation 2827018 (VCV002827018.4), dbSNP rs1169276499, ClinGen allele CA384006008.

ClinVar aggregate classification (germline): Uncertain significance. Review status: criteria provided, multiple submitters, no conflicts (2 of 4 stars). 2 submissions from 2 submitters: Uncertain significance (2). Last evaluated 2024-02-21.

Conditions:
Congenital diarrhea 6. Identifiers: Orphanet 314373, MedGen C3553270, MONDO:0013825, OMIM 614616.
Intestinal obstruction in the newborn due to guanylate cyclase 2C deficiency. Identifiers: Orphanet 314376, MedGen C4518781, MONDO:0013843, OMIM 614665.

Allele frequency attached by ClinVar (database versions not stated): gnomAD exomes 0.00001.
gnomAD v4.1: 6 of 1,604,596 alleles (0.00037%); highest among the groups gnomAD compares: Non-Finnish European, 0.00043%; no homozygotes.

Submissions (2):

Fulgent Genetics
Classification: Uncertain significance for Congenital diarrhea 6; Intestinal obstruction in the newborn due to guanylate cyclase 2C deficiency. Last evaluated: 2024-02-21. Review status: criteria provided, single submitter. Criteria: ACMG Guidelines, 2015. Collection method: clinical testing. Allele origin: germline.

Labcorp Genetics (formerly Invitae), Labcorp
Classification: Uncertain significance. Last evaluated: 2023-12-09. Review status: criteria provided, single submitter. Criteria: Invitae Variant Classification Sherloc (09022015). Collection method: clinical testing. Allele origin: germline.
Comment: This sequence change replaces glutamic acid, which is acidic and polar, with glycine, which is neutral and non-polar, at codon 210 of the GUCY2C protein (p.Glu210Gly). This variant is present in population databases (no rsID available, gnomAD 0.0009%). This variant has not been reported in the literature in individuals affected with GUCY2C-related conditions. Advanced modeling of protein sequence and biophysical properties (such as structural, functional, and spatial information, amino acid conservation, physicochemical variation, residue mobility, and thermodynamic stability) performed at Invitae indicates that this missense variant is not expected to disrupt GUCY2C protein function with a negative predictive value of 80%. In summary, the available evidence is currently insufficient to determine the role of this variant in disease. Therefore, it has been classified as a Variant of Uncertain Significance.